The following is an entry in ClinVar:

ClinVar aggregate classification (germline): Uncertain significance. Review status: criteria provided, multiple submitters, no conflicts (2 of 4 stars). 2 submissions from 2 submitters: Uncertain significance (2). Last evaluated 2026-04-20.

Conditions:
Cardiovascular phenotype. Identifiers: MedGen CN230736.

gnomAD v4.1: 11 of 1,604,056 alleles (0.00069%); highest among the groups gnomAD compares: African/African-American, 0.0013%; no homozygotes.

Submissions (2):

GeneDx
Classification: Uncertain significance. Last evaluated: 2026-04-20. Review status: criteria provided, single submitter. Criteria: GeneDx Variant Classification Process June 2021. Collection method: clinical testing. Allele origin: germline.
Comment: Not observed at significant frequency in large population cohorts (gnomAD); In silico analysis suggests that this missense variant does not alter protein structure/function; Has not been previously published as pathogenic or benign to our knowledge

Ambry Genetics
Classification: Uncertain significance for Cardiovascular phenotype. Last evaluated: 2024-05-19. Review status: criteria provided, single submitter. Criteria: Ambry Variant Classification Scheme 2023. Collection method: clinical testing. Allele origin: germline.
Comment: The p.S1471T variant (also known as c.4411T>A), located in coding exon 11 of the TNXB gene, results from a T to A substitution at nucleotide position 4411. The serine at codon 1471 is replaced by threonine, an amino acid with similar properties. This amino acid position is conserved. In addition, this alteration is predicted to be tolerated by in silico analysis. Based on the available evidence, the clinical significance of this variant remains unclear.

NM_001365276.2(TNXB):c.4411T>A (p.Ser1471Thr)

Gene: TNXB (tenascin XB; minus strand). Cytogenetic location: 6p21.33.
Variant type: single nucleotide variant.
Coding change: c.4411T>A on transcript NM_001365276.2 (MANE Select); coding-DNA position 4411, T replaced by A.
Protein change: p.Ser1471Thr; replaces serine 1471 with threonine.
Molecular consequence: missense variant.
Genome position (GRCh38, 1-based): chr6:32,073,917, A>T on the plus strand (T>A on the coding strand, the complement: TNXB is on the minus strand). VCF-style: chr6-32073917-A-T. GRCh37 (hg19) VCF-style: chr6-32041694-A-T.
Other names: c.4411T>A, p.Ser1471Thr (NM_019105.8); short protein forms S1471T.
Identifiers: ClinVar variation 3327910 (VCV003327910.2).